The following is an entry in ClinVar:

NM_025144.4(ALPK1):c.374G>A (p.Gly125Glu)

Gene: ALPK1 (alpha kinase 1; plus strand). Cytogenetic location: 4q25.
Variant type: single nucleotide variant.
Coding change: c.374G>A on transcript NM_025144.4 (MANE Select); coding-DNA position 374, G replaced by A.
Protein change: p.Gly125Glu; replaces glycine 125 with glutamic acid.
Molecular consequence: missense variant.
Genome position (GRCh38, 1-based): chr4:112,411,924, G>A. VCF-style: chr4-112411924-G-A. GRCh37 (hg19) VCF-style: chr4-113333080-G-A.
Other names: c.374G>A, p.Gly125Glu (NM_001102406.2); c.140G>A, p.Gly47Glu (NM_001253884.2); short protein forms G125E, G47E.
Identifiers: ClinVar variation 4774444 (VCV004774444.1).
Genomic context (GRCh38, chr4:112,411,924, plus strand): 5'-CGGCTGCGGCGGCTATTGTGTTCTTGGTGGACCGGTTCCTGTATGGGCTCGACGTCTCTG[G>A]AAAACTTCTGCAGGTCGCCAAAGGTCTCCACAAGTTGCAGCCAGCCACGCCAATTGCCCC-3'
Protein context (NP_079420.3, residues 115-135): DRFLYGLDVS[Gly125Glu]KLLQVAKGLH

ClinVar aggregate classification (germline): Uncertain significance (1 of 4 stars; one submission).

Submission:

Labcorp Genetics (formerly Invitae), Labcorp
Classification: Uncertain significance. Last evaluated: 2025-09-23. Review status: criteria provided, single submitter. Criteria: Invitae Variant Classification Sherloc (09022015). Collection method: clinical testing. Allele origin: germline.
Comment: This sequence change replaces glycine, which is neutral and non-polar, with glutamic acid, which is acidic and polar, at codon 125 of the ALPK1 protein (p.Gly125Glu). This variant is not present in population databases (gnomAD no frequency). This variant has not been reported in the literature in individuals affected with ALPK1-related conditions. Invitae Evidence Modeling of protein sequence and biophysical properties (such as structural, functional, and spatial information, amino acid conservation, physicochemical variation, residue mobility, and thermodynamic stability) indicates that this missense variant is not expected to disrupt ALPK1 protein function with a negative predictive value of 80%. In summary, the available evidence is currently insufficient to determine the role of this variant in disease. Therefore, it has been classified as a Variant of Uncertain Significance.